The following is an entry in ClinVar:

ClinVar aggregate classification (germline): Uncertain significance (1 of 4 stars; one submission).

Allele frequency attached by ClinVar (database versions not stated): gnomAD exomes 0.00001; ExAC 0.00002; gnomAD 0.00002.
gnomAD v4.1: 19 of 1,209,902 alleles (0.0016%); highest among the groups gnomAD compares: South Asian, 0.028%; no homozygotes.

Submission:

Labcorp Genetics (formerly Invitae), Labcorp
Classification: Uncertain significance. Last evaluated: 2023-08-04. Review status: criteria provided, single submitter. Criteria: Invitae Variant Classification Sherloc (09022015). Collection method: clinical testing. Allele origin: germline.
Comment: This missense change has been observed in individual(s) with COVID-19 pneumonia (PMID: 34413140). This sequence change replaces glutamic acid, which is acidic and polar, with alanine, which is neutral and non-polar, at codon 617 of the TLR7 protein (p.Glu617Ala). This variant is present in population databases (rs200131359, gnomAD 0.02%). ClinVar contains an entry for this variant (Variation ID: 2071625). An algorithm developed to predict the effect of missense changes on protein structure and function (PolyPhen-2) suggests that this variant is likely to be tolerated. Experimental studies have shown that this missense change does not substantially affect TLR7 function (PMID: 34413140). In summary, the available evidence is currently insufficient to determine the role of this variant in disease. Therefore, it has been classified as a Variant of Uncertain Significance.

Literature cited by the submitters: PubMed 34413140.

NM_016562.4(TLR7):c.1850A>C (p.Glu617Ala)

Gene: TLR7 (toll like receptor 7; plus strand). Cytogenetic location: Xp22.2.
Variant type: single nucleotide variant.
Coding change: c.1850A>C on transcript NM_016562.4 (MANE Select); coding-DNA position 1850, A replaced by C.
Protein change: p.Glu617Ala; replaces glutamic acid 617 with alanine.
Molecular consequence: missense variant.
Genome position (GRCh38, 1-based): chrX:12,887,358, A>C. VCF-style: chrX-12887358-A-C. GRCh37 (hg19) VCF-style: chrX-12905477-A-C.
Other names: short protein forms E617A.
Identifiers: ClinVar variation 2071625 (VCV002071625.4), dbSNP rs200131359, ClinGen allele CA10350043.